The following is an entry in ClinVar:

NM_001163435.3(TBCK):c.302T>C (p.Leu101Pro)

Gene: TBCK (TBC1 domain containing kinase; minus strand). Cytogenetic location: 4q24.
Variant type: single nucleotide variant.
Coding change: c.302T>C on transcript NM_001163435.3 (MANE Select); coding-DNA position 302, T replaced by C.
Protein change: p.Leu101Pro; replaces leucine 101 with proline.
Molecular consequence: missense variant. On other transcripts: 5 prime UTR variant (1), intron variant (1).
Genome position (GRCh38, 1-based): chr4:106,262,177, A>G on the plus strand (T>C on the coding strand, the complement: TBCK is on the minus strand). VCF-style: chr4-106262177-A-G. GRCh37 (hg19) VCF-style: chr4-107183334-A-G.
Other names: c.302T>C, p.Leu101Pro (NM_001163436.4, NM_001163437.3); c.-316T>C (NM_001290768.2); c.267-10170T>C (NM_033115.5); short protein forms L101P.
Identifiers: ClinVar variation 1484676 (VCV001484676.6), dbSNP rs2150101086, ClinGen allele CA357970454.
Genomic context (GRCh38, chr4:106,262,177, plus strand): 5'-TTATGAGGAGACAATGCCCTGTGTACTATACCATGTTTGTTCATATACTGCAAGCCCTGA[A>G]GAACCTCAAATGCTATACACAAAACCGTTGAACAGCTACAAAGAAAACAAAAAGTCAAAG-3'
Protein context (NP_001156907.2, residues 91-111): STVLCIAFEV[Leu101Pro]QGLQYMNKHG

ClinVar aggregate classification (germline): Uncertain significance (1 of 4 stars; one submission).

Submission:

Labcorp Genetics (formerly Invitae), Labcorp
Classification: Uncertain significance. Last evaluated: 2023-08-24. Review status: criteria provided, single submitter. Criteria: Invitae Variant Classification Sherloc (09022015). Collection method: clinical testing. Allele origin: germline.
Comment: Advanced modeling of protein sequence and biophysical properties (such as structural, functional, and spatial information, amino acid conservation, physicochemical variation, residue mobility, and thermodynamic stability) has been performed at Invitae for this missense variant, however the output from this modeling did not meet the statistical confidence thresholds required to predict the impact of this variant on TBCK protein function. ClinVar contains an entry for this variant (Variation ID: 1484676). This variant has not been reported in the literature in individuals affected with TBCK-related conditions. This variant is not present in population databases (gnomAD no frequency). This sequence change replaces leucine, which is neutral and non-polar, with proline, which is neutral and non-polar, at codon 101 of the TBCK protein (p.Leu101Pro). In summary, the available evidence is currently insufficient to determine the role of this variant in disease. Therefore, it has been classified as a Variant of Uncertain Significance.